The following continues an entry in ClinVar:

NM_001297.5(CNGB1):c.2957A>T (p.Asn986Ile)

Gene: CNGB1. ClinVar aggregate classification (germline): Conflicting classifications of pathogenicity. Pathogenic (15); Likely pathogenic (6); Uncertain significance (2).

Submissions 12 to 27 of 27:

Fulgent Genetics
Classification: Pathogenic for Retinitis pigmentosa 45. Last evaluated: 2024-04-29. Review status: criteria provided, single submitter. Criteria: ACMG Guidelines, 2015. Collection method: clinical testing. Allele origin: germline.

Genomic Medicine Center of Excellence, King Faisal Specialist Hospital and Research Centre
Classification: Uncertain significance for Retinitis pigmentosa 45. Last evaluated: 2024-03-26. Review status: criteria provided, single submitter. Criteria: ACMG Guidelines, 2015. Collection method: clinical testing. Allele origin: germline.

Institute of Human Genetics, Univ. Regensburg, Univ. Regensburg
Classification: Likely pathogenic for Retinal dystrophy. Last evaluated: 2023-01-01. Review status: criteria provided, single submitter. Criteria: ACMG Guidelines, 2015. Collection method: clinical testing. Allele origin: germline. Affected: yes.

Department of Pathology and Laboratory Medicine, Sinai Health System
Classification: Pathogenic for CNGB1-related retinopathy. Last evaluated: 2021-07-30. Review status: criteria provided, single submitter. Criteria: ACMG Guidelines, 2015. Collection method: research. Allele origin: germline.

Ocular Genomics Institute, Massachusetts Eye and Ear
Classification: Likely pathogenic for Retinitis pigmentosa 45. Last evaluated: 2021-04-08. Review status: criteria provided, single submitter. Criteria: ACMG Guidelines, 2015. Collection method: research. Allele origin: germline. Affected: yes.
Comment: Through a review of available evidence we were able to apply the following criteria: PS4, PM3, PP1, PP3, PP5. Based on this evidence we have classified this variant as Likely Pathogenic.

Broad Center for Mendelian Genomics, Broad Institute of MIT and Harvard
Classification: Likely pathogenic for Retinitis pigmentosa. Last evaluated: 2021-04-01. Review status: criteria provided, single submitter. Criteria: ACMG Guidelines, 2015. Collection method: curation. Allele origin: germline. Inheritance: Autosomal recessive inheritance. Affected: yes.
Comment: Through a review of available evidence we were able to apply the following criteria: PS4, PM3, PP1, PP3, PP5. Based on this evidence we have classified this variant as Likely Pathogenic. If you have any questions about the classification please reach out to the Pierce Lab.

Institute of Medical Genetics and Applied Genomics, University Hospital Tübingen
Classification: Pathogenic. Last evaluated: 2021-02-01. Review status: criteria provided, single submitter. Criteria: ACMG Guidelines, 2015. Collection method: clinical testing. Allele origin: germline. Inheritance: Autosomal recessive inheritance. Affected: yes.

Laboratory for Molecular Medicine, Mass General Brigham Personalized Medicine
Classification: Pathogenic for Retinitis pigmentosa. Last evaluated: 2021-01-27. Review status: criteria provided, single submitter. Criteria: ACMG Guidelines, 2015. Collection method: clinical testing. Allele origin: germline. Inheritance: Autosomal recessive inheritance.
Comment: The p.Asn986Ile variant in CNGB1 has been reported in multiple individuals with retinitis pigmentosa, all of whom were homozygous or compound heterozygous with a second CNGB1 variant (Simpson 2011, PMID: 21147909; Abu-Safieh 2013, PMID: 23105016; Carss 2017, PMID: 28041643; Stone 2017, PMID: 28559085; Hull 2017, PMID: 28056120; Fuster-Garcia 2019, PMID: 31725169; Jespersgaad 2019, PMID: 30718709; Radojevic 2020, DOI: 10.1080/13816810.2020.1832532). This variant also segregated with disease in 6 affected individuals from 5 families (Hull, 2017, PMID: 28056120; Fuster-Garcia, 2019, PMID: 31725169; Radojevic, 2020, DOI: 10.1080/13816810.2020.1832532). This variant has been identified in 0.635% (159/25032) of European (Finnish) chromosomes by gnomAD with no cases of homozygosity and a frequency low enough to be consistent with a recessive allele frequency for this gene. This variant has also been reported in ClinVar (Variation ID 166891). Computational prediction tools and conservation analyses support that this variant may impact the protein. In summary, this variant meets criteria to be classified as pathogenic for autosomal recessive retinitis pigmentosa. ACMG/AMP Criteria applied: PM3_VeryStrong, PP1_Strong, PP3.

CeGaT Center for Human Genetics Tuebingen
Classification: Pathogenic. Last evaluated: 2020-03-01. Review status: criteria provided, single submitter. Criteria: CeGaT Center For Human Genetics Tuebingen Variant Classification Criteria Version 2. Collection method: clinical testing. Allele origin: germline. Affected: yes. Observed: 2 variant alleles.

Baylor Genetics
Classification: Pathogenic for Retinitis pigmentosa 45. Last evaluated: 2020-01-15. Review status: criteria provided, single submitter. Criteria: ACMG Guidelines, 2015. Collection method: clinical testing. Allele origin: unknown. Affected: yes.
Comment: This variant was determined to be pathogenic according to ACMG Guidelines, 2015 [PMID:25741868].

Illumina Laboratory Services, Illumina
Classification: Pathogenic for Retinitis pigmentosa. Last evaluated: 2017-08-25. Review status: criteria provided, single submitter. Criteria: ICSL Variant Classification Criteria 09 May 2019. Collection method: clinical testing. Allele origin: germline.
Comment: The CNGB1 c.2957A>T (p.Asn986Ile) missense variant has been reported in two studies in which it is found in six unrelated individuals with an autosomal recessive form of retinitis pigmentosa, including in four in a homozygous state and in two in a compound heterozygous state (Simpson et al. 2011; Hull et al. 2017). Common phenotypes in these individuals included night blindness with an onset in infancy or childhood, loss of peripheral vision in adulthood, and based on a fundus exam, a majority of patients had optic disc pallor, retinal pigment epithelium atrophy, and intraretinal pigment migration. The two individuals with the variant in a compound heterozygous state also had affected siblings with the same variants, one affected sister in one family and an additional affected brother and sister in the second family (Hull et al. 2017). The p.Asn986Ile variant was absent from 720 control chromosomes (Simpson et al. 2011) and is reported at a frequency of 0.00652 in the European (Finnish) population of the Genome Aggregation Database. Based on the clinical evidence, the p.Asn986Ile variant is classified as pathogenic for an autosomal recessive form of retinitis pigmentosa. This variant was observed by ICSL as part of a predisposition screen in an ostensibly healthy population.

Eurofins Ntd Llc (ga)
Classification: Uncertain significance. Last evaluated: 2014-04-27. Review status: criteria provided, single submitter. Criteria: EGL Classification Definitions 2015. Collection method: clinical testing. Allele origin: germline. Observed: 1 variant allele, 1 homozygote.

Sharon lab, Hadassah-Hebrew University Medical Center
Classification: Likely pathogenic for Retinitis pigmentosa. Last evaluated: 2019-06-23. Review status: no assertion criteria provided. Collection method: research. Allele origin: inherited. Affected: yes. Not counted in ClinVar's aggregate classification.

Department of Clinical Genetics, Copenhagen University Hospital, Rigshospitalet
Classification: Likely pathogenic for Retinitis pigmentosa. Last evaluated: 2018-04-01. Review status: no assertion criteria provided. Collection method: research. Allele origin: unknown. Affected: yes. Study: VeluxRD. Not counted in ClinVar's aggregate classification.

Faculty of Health Sciences, Beirut Arab University
Classification: Pathogenic for Autosomal recessive Retinitis Pigmentosa. Last evaluated: 2015-09-10. Review status: no assertion criteria provided. Collection method: literature only. Allele origin: germline. Affected: yes. Observed: 3 variant alleles. Not counted in ClinVar's aggregate classification.

NIHR Bioresource Rare Diseases, University of Cambridge
Classification: Likely pathogenic for Retinitis pigmentosa. Last evaluated: 2015-01-01. Review status: no assertion criteria provided. Collection method: research. Allele origin: unknown. Affected: yes. Observed: 2 variant alleles. Not counted in ClinVar's aggregate classification.

Literature cited by the submitters: PubMed 33847019 (cited by Victorian Clinical Genetics Services, Murdoch Childrens Research Institute and Institute of Human Genetics, Univ. Regensburg, Univ. Regensburg); PubMed 21147909 (cited by 10 submitters); PubMed 28056120 (cited by 5 submitters); PubMed 28041643 (cited by 4 submitters); PubMed 29912909 (cited by 3 submitters); PubMed 28559085 (cited by 3 submitters); PubMed 35743231 (cited by Women's Health and Genetics/Laboratory Corporation of America, LabCorp); PubMed 23105016 (cited by 6 submitters); PubMed 26355662 (cited by Institute of Human Genetics, Univ. Regensburg, Univ. Regensburg and Faculty of Health Sciences, Beirut Arab University); PubMed 29068140 (cited by Institute of Human Genetics, Univ. Regensburg, Univ. Regensburg and Laboratory for Molecular Medicine, Mass General Brigham Personalized Medicine); PubMed 31725169 (cited by Institute of Human Genetics, Univ. Regensburg, Univ. Regensburg and Laboratory for Molecular Medicine, Mass General Brigham Personalized Medicine); PubMed 31570810 (cited by Institute of Human Genetics, Univ. Regensburg, Univ. Regensburg); PubMed 32483926 (cited by Institute of Human Genetics, Univ. Regensburg, Univ. Regensburg); PubMed 31456290 (cited by Institute of Human Genetics, Univ. Regensburg, Univ. Regensburg); PubMed 32531858 (cited by Institute of Human Genetics, Univ. Regensburg, Univ. Regensburg); PubMed 32037395 (cited by Institute of Human Genetics, Univ. Regensburg, Univ. Regensburg); PubMed 33576794 (cited by Institute of Human Genetics, Univ. Regensburg, Univ. Regensburg); PubMed 34426522 (cited by Institute of Human Genetics, Univ. Regensburg, Univ. Regensburg); PubMed 33749171 (cited by Institute of Human Genetics, Univ. Regensburg, Univ. Regensburg); PubMed 36460718 (cited by Institute of Human Genetics, Univ. Regensburg, Univ. Regensburg); PubMed 35836572 (cited by Institute of Human Genetics, Univ. Regensburg, Univ. Regensburg); PubMed 36819107 (cited by Institute of Human Genetics, Univ. Regensburg, Univ. Regensburg); PubMed 34906470 (cited by Broad Center for Mendelian Genomics, Broad Institute of MIT and Harvard); PubMed 30718709 (cited by Laboratory for Molecular Medicine, Mass General Brigham Personalized Medicine and Department of Clinical Genetics, Copenhagen University Hospital, Rigshospitalet).